The following is an entry in ClinVar:

NM_032242.4(PLXNA1):c.1299C>G (p.Gly433=)

Gene: PLXNA1 (plexin A1; plus strand). Cytogenetic location: 3q21.3.
Variant type: single nucleotide variant.
Coding change: c.1299C>G on transcript NM_032242.4 (MANE Select); coding-DNA position 1299, C replaced by G.
Protein change: p.Gly433=; no amino-acid change (glycine 433 retained).
Molecular consequence: synonymous variant.
Genome position (GRCh38, 1-based): chr3:126,991,488, C>G. VCF-style: chr3-126991488-C-G. GRCh37 (hg19) VCF-style: chr3-126710331-C-G.
Identifiers: ClinVar variation 3052920 (VCV003052920.2), dbSNP rs773669387, ClinGen allele CA2593181.

ClinVar aggregate classification (germline): Likely benign (0 of 4 stars; one submission).

Conditions:
PLXNA1-related disorder. Also called: PLXNA1-related condition.

Allele frequency attached by ClinVar (database versions not stated): ExAC 0.00002; gnomAD 0.00002; TOPMed 0.00002; gnomAD exomes 0.00005.
gnomAD v4.1: 72 of 1,612,480 alleles (0.0045%); highest among the groups gnomAD compares: Non-Finnish European, 0.006%; no homozygotes.

Submission:

PreventionGenetics, part of Exact Sciences
Classification: Likely benign for PLXNA1-related condition. Last evaluated: 2019-08-29. Review status: no assertion criteria provided. Collection method: clinical testing. Allele origin: germline.
Comment: This variant is classified as likely benign based on ACMG/AMP sequence variant interpretation guidelines (Richards et al. 2015 PMID: 25741868, with internal and published modifications).